The following is an entry in ClinVar:

ClinVar aggregate classification (germline): Benign/Likely benign. Review status: criteria provided, multiple submitters, no conflicts (2 of 4 stars). 6 submissions from 6 submitters: Benign (1); Likely benign (5). Last evaluated 2026-04-01.

Conditions:
Thrombocytopenia. Identifiers: MedGen C0040034, MeSH D013921, MONDO:0002049, HP:0001873.
Thrombocytopenia 2 (THC2). Also called: ANKRD26-Related Thrombocytopenia. Identifiers: Orphanet 268322, MedGen C1861185, MONDO:0008555, OMIM 188000.

Allele frequency attached by ClinVar (database versions not stated): 1000 Genomes Project 0.00140; gnomAD 0.00338 and 0.00357; TOPMed 0.00343; ESP Exome Variant Server 0.00369; ExAC 0.00438; gnomAD exomes 0.00479 and 0.00426; 1000 Genomes Project 30x 0.00156.
gnomAD v4.1: 7,596 of 1,613,872 alleles (0.47%); highest among the groups gnomAD compares: South Asian, 0.72%; 27 homozygotes.

Submissions (6):

CeGaT Center for Human Genetics Tuebingen
Classification: Likely benign. Last evaluated: 2026-04-01. Review status: criteria provided, single submitter. Criteria: CeGaT Center For Human Genetics Tuebingen Variant Classification Criteria Version 2. Collection method: clinical testing. Allele origin: germline. Affected: yes. Observed: 6 variant alleles.
Comment: MASTL: BP4, BS2

Mayo Clinic Laboratories, Mayo Clinic
Classification: Likely benign. Last evaluated: 2025-12-11. Review status: criteria provided, single submitter. Criteria: ACMG Guidelines, 2015. Collection method: clinical testing. Allele origin: germline. Observed: 14 variant alleles.
Comment: BS1, BS2, BP4, PM1_supporting

Genomic Medicine Center of Excellence, King Faisal Specialist Hospital and Research Centre
Classification: Likely benign. Last evaluated: 2025-08-18. Review status: criteria provided, single submitter. Criteria: ACMG Guidelines, 2015. Collection method: clinical testing. Allele origin: germline.

Genetics and Molecular Pathology, SA Pathology
Classification: Likely benign for Thrombocytopenia 2. Last evaluated: 2020-01-22. Review status: criteria provided, single submitter. Criteria: ACMG Guidelines, 2015. Collection method: clinical testing. Allele origin: germline. Inheritance: Autosomal dominant inheritance. Affected: yes.
Comment: There is no data available for this variant, no inheritance mode available, likely benign computational predictions

Labcorp Genetics (formerly Invitae), Labcorp
Classification: Likely benign. Last evaluated: 2018-07-16. Review status: criteria provided, single submitter. Criteria: Invitae Variant Classification Sherloc (09022015). Collection method: clinical testing. Allele origin: germline.

Illumina Laboratory Services, Illumina
Classification: Benign for Thrombocytopenia. Last evaluated: 2018-01-12. Review status: criteria provided, single submitter. Criteria: ICSL Variant Classification Criteria 13 December 2019. Collection method: clinical testing. Allele origin: germline.
Comment: This variant was observed in the ICSL laboratory as part of a predisposition screen in an ostensibly healthy population. It had not been previously curated by ICSL or reported in the Human Gene Mutation Database (HGMD: prior to June 1st, 2018), and was therefore a candidate for classification through an automated scoring system. Utilizing variant allele frequency, disease prevalence and penetrance estimates, and inheritance mode, an automated score was calculated to assess if this variant is too frequent to cause the disease. Based on the score and internal cut-off values, a variant classified as benign is not then subjected to further curation. The score for this variant resulted in a classification of benign for this disease.

NM_001172303.3(MASTL):c.2620G>A (p.Val874Ile)

Genes: MASTL (microtubule associated serine/threonine kinase like; plus strand), ACBD5 (acyl-CoA binding domain containing 5; minus strand). Cytogenetic location: 10p12.1.
Variant type: single nucleotide variant.
Coding change: c.2620G>A on transcript NM_001172303.3 (MANE Select); coding-DNA position 2620, G replaced by A.
Protein change: p.Val874Ile; replaces valine 874 with isoleucine.
Molecular consequence: missense variant. On other transcripts: non-coding transcript variant (1), intron variant (1).
Genome position (GRCh38, 1-based): chr10:27,186,516, G>A. VCF-style: chr10-27186516-G-A. GRCh37 (hg19) VCF-style: chr10-27475445-G-A.
Other names: p.Val873Ile; c.2503G>A, p.Val835Ile (NM_001172304.3); c.2632G>A, p.Val878Ile (NM_001320756.2); c.2635G>A, p.Val879Ile (NM_001320757.2); c.2152G>A, p.Val718Ile (NM_001372029.1); c.2137G>A, p.Val713Ile (NM_001372030.1); c.2617G>A, p.Val873Ile (NM_032844.5); c.1566-2201C>T (NM_001352570.1); short protein forms V874I, V879I, V718I, V713I, V835I, V873I, V878I.
Identifiers: ClinVar variation 786822 (VCV000786822.28), dbSNP rs138288481, ClinGen allele CA5450488.